The following is an entry in ClinVar:

ClinVar aggregate classification (germline): Likely benign (0 of 4 stars; one submission).

Conditions:
DNAJC13-related disorder. Also called: DNAJC13-related condition.

Allele frequency attached by ClinVar (database versions not stated): gnomAD exomes below 0.00001.
gnomAD v4.1: 2 of 1,607,410 alleles (0.00012%); highest among the groups gnomAD compares: Non-Finnish European, 0.00017%; no homozygotes.

Submission:

PreventionGenetics, part of Exact Sciences
Classification: Likely benign for DNAJC13-related condition. Last evaluated: 2022-04-15. Review status: no assertion criteria provided. Collection method: clinical testing. Allele origin: germline.
Comment: This variant is classified as likely benign based on ACMG/AMP sequence variant interpretation guidelines (Richards et al. 2015 PMID: 25741868, with internal and published modifications).

NM_015268.4(DNAJC13):c.2773-4C>T

Gene: DNAJC13 (DnaJ heat shock protein family (Hsp40) member C13; plus strand). Cytogenetic location: 3q22.1.
Variant type: single nucleotide variant.
Coding change: c.2773-4C>T on transcript NM_015268.4 (MANE Select); 4 bases into the intron before coding-DNA position 2773, C replaced by T.
Molecular consequence: intron variant.
Genome position (GRCh38, 1-based): chr3:132,480,365, C>T. VCF-style: chr3-132480365-C-T. GRCh37 (hg19) VCF-style: chr3-132199209-C-T.
Other names: c.2788-4C>T (NM_001329126.2).
Identifiers: ClinVar variation 3047504 (VCV003047504.2), dbSNP rs2529658424, ClinGen allele CA2667719918.